The following is an entry in ClinVar:

NM_000156.6(GAMT):c.307del (p.Ala103fs)

Gene: GAMT (guanidinoacetate N-methyltransferase; minus strand). Cytogenetic location: 19p13.3.
Variant type: Deletion.
Coding change: c.307del on transcript NM_000156.6 (MANE Select); coding-DNA position 307, one base deleted (G; older notation c.307delG).
Protein change: p.Ala103fs; shifts the reading frame from alanine 103.
Molecular consequence: frameshift variant.
Genome position (GRCh38, 1-based): chr19:1,399,813, C deleted on the plus strand (G on the coding strand, the reverse complement: GAMT is on the minus strand); the first of 3 consecutive C bases (chr19:1,399,813-1,399,815); deleting any one gives the same sequence. VCF-style (leftmost placement, unchanged base first): chr19-1399812-GC-G. GRCh37 (hg19) VCF-style: chr19-1399811-GC-G.
Other names: c.307del, p.Ala103fs (NM_138924.3); c.307delG (NM_000156.5); short protein forms A103fs.
Identifiers: ClinVar variation 1073697 (VCV001073697.10), dbSNP rs2082622867, ClinGen allele CA2317699506.
Genomic context (GRCh38, chr19:1,399,812, plus strand): 5'-AAGGAGTGGGGGTCCTGGAGGGCCTGCGGGCAGAGGGGCACCTTGTGTGTCTGCCGTGGG[GC>G]CCAGTCCCGGAGCCGCTGGAAGACGCCGTCATTGCACTCGATGATCCAATGCTCATCAAT-3'

ClinVar aggregate classification (germline): Pathogenic/Likely pathogenic. Review status: criteria provided, multiple submitters, no conflicts (2 of 4 stars). 3 submissions from 3 submitters: Pathogenic (1); Likely pathogenic (2). Last evaluated 2026-01-30.

Conditions:
Deficiency of guanidinoacetate methyltransferase (CCDS2). Also called: GAMT DEFICIENCY; CEREBRAL CREATINE DEFICIENCY SYNDROME 2; Guanidinoacetate Methyltransferase (GAMT) Deficiency. Identifiers: Orphanet 382, MedGen C0574080, MONDO:0012999, OMIM 612736.
Cerebral creatine deficiency syndrome. Also called: Creatine deficiency syndromes. Identifiers: Orphanet 79172, MedGen C5244016, MONDO:0000456.

Submissions (3):

Natera, Inc.
Classification: Likely pathogenic for Guanidinoacetate methyltransferase deficiency. Last evaluated: 2026-01-30. Review status: criteria provided, single submitter. Criteria: Natera Variant Classification Schema (03/2026). Collection method: clinical testing. Allele origin: germline.
Comment: The c.307delG variant in GAMT is a frameshift variant predicted to shift the reading frame beginning at codon 103 and leads to a stop codon 11 codons downstream. This variant is expected to result in nonsense mediated decay, truncation, or a dysfunctional protein product. This variant is rare in the general population with a frequency below the threshold expected for the associated phenotype(s). Given the available evidence, this variant is classified as Likely Pathogenic.

Labcorp Genetics (formerly Invitae), Labcorp
Classification: Pathogenic for Cerebral creatine deficiency syndrome. Last evaluated: 2025-09-19. Review status: criteria provided, single submitter. Criteria: Invitae Variant Classification Sherloc (09022015). Collection method: clinical testing. Allele origin: germline.
Comment: This sequence change creates a premature translational stop signal (p.Ala103Profs*11) in the GAMT gene. It is expected to result in an absent or disrupted protein product. Loss-of-function variants in GAMT are known to be pathogenic (PMID: 15108290). This variant is not present in population databases (gnomAD no frequency). This variant has not been reported in the literature in individuals affected with GAMT-related conditions. ClinVar contains an entry for this variant (Variation ID: 1073697). For these reasons, this variant has been classified as Pathogenic.

Fulgent Genetics
Classification: Likely pathogenic for Deficiency of guanidinoacetate methyltransferase. Last evaluated: 2024-05-30. Review status: criteria provided, single submitter. Criteria: ACMG Guidelines, 2015. Collection method: clinical testing. Allele origin: germline.

Literature cited by the submitters: PubMed 15108290 (cited by Labcorp Genetics (formerly Invitae), Labcorp).